The following is an entry in ClinVar:

NM_001379500.1(COL18A1):c.1165C>G (p.Gln389Glu)

Gene: COL18A1 (collagen type XVIII alpha 1 chain; plus strand). Cytogenetic location: 21q22.3.
Variant type: single nucleotide variant.
Coding change: c.1165C>G on transcript NM_001379500.1 (MANE Select); coding-DNA position 1165, C replaced by G.
Protein change: p.Gln389Glu; replaces glutamine 389 with glutamic acid.
Molecular consequence: missense variant.
Genome position (GRCh38, 1-based): chr21:45,477,909, C>G. VCF-style: chr21-45477909-C-G. GRCh37 (hg19) VCF-style: chr21-46897823-C-G.
Other names: NM_130445.2:c.1165C>G; c.1705C>G, p.Gln569Glu (NM_030582.4); c.2410C>G, p.Gln804Glu (NM_130444.3); c.1705C>G (NM_030582.3); short protein forms Q569E, Q804E, Q389E.
Identifiers: ClinVar variation 898137 (VCV000898137.10), dbSNP rs911055429, ClinGen allele CA321916469.

ClinVar aggregate classification (germline): Uncertain significance. Review status: criteria provided, multiple submitters, no conflicts (2 of 4 stars). 4 submissions from 4 submitters: Uncertain significance (4). Last evaluated 2025-03-19.

Conditions:
Inborn genetic diseases. Identifiers: MedGen C0950123, MeSH D030342.
COL18A1-related disorder. Also called: COL18A1-related disorders; COL18A1-related condition.
Knobloch syndrome (KNO). Also called: Myopia retinal detachment encephalocele; RETINAL DETACHMENT AND OCCIPITAL ENCEPHALOCELE. Identifiers: Orphanet 1571, MedGen C1849409, MONDO:0800166.

Allele frequency attached by ClinVar (database versions not stated): gnomAD exomes 0.00001; gnomAD 0.00003; TOPMed 0.00003.
gnomAD v4.1: 21 of 1,565,996 alleles (0.0013%); highest among the groups gnomAD compares: Non-Finnish European, 0.0017%; no homozygotes.

Submissions (4):

PreventionGenetics, part of Exact Sciences
Classification: Uncertain significance for COL18A1-related condition. Last evaluated: 2025-03-19. Review status: criteria provided, single submitter. Criteria: ACMG Guidelines, 2015. Collection method: clinical testing. Allele origin: germline.
Comment: The COL18A1 c.1705C>G variant is predicted to result in the amino acid substitution p.Gln569Glu. To our knowledge, this variant has not been reported in the literature. This variant is reported in 0.0014% of alleles in individuals of European (Non-Finnish) descent in gnomAD. At this time, the clinical significance of this variant is uncertain due to the absence of conclusive functional and genetic evidence.

Labcorp Genetics (formerly Invitae), Labcorp
Classification: Uncertain significance. Last evaluated: 2024-01-08. Review status: criteria provided, single submitter. Criteria: Invitae Variant Classification Sherloc (09022015). Collection method: clinical testing. Allele origin: germline.
Comment: This sequence change replaces glutamine, which is neutral and polar, with glutamic acid, which is acidic and polar, at codon 389 of the COL18A1 protein (p.Gln389Glu). This variant is present in population databases (no rsID available, gnomAD 0.001%). This variant has not been reported in the literature in individuals affected with COL18A1-related conditions. ClinVar contains an entry for this variant (Variation ID: 898137). Experimental studies and prediction algorithms are not available or were not evaluated, and the functional significance of this variant is currently unknown. In summary, the available evidence is currently insufficient to determine the role of this variant in disease. Therefore, it has been classified as a Variant of Uncertain Significance.

Ambry Genetics
Classification: Uncertain significance for Inborn genetic diseases. Last evaluated: 2023-07-10. Review status: criteria provided, single submitter. Criteria: Ambry Variant Classification Scheme 2023. Collection method: clinical testing. Allele origin: germline.

Illumina Laboratory Services, Illumina
Classification: Uncertain significance for Knobloch syndrome 1. Last evaluated: 2018-01-13. Review status: criteria provided, single submitter. Criteria: ICSL Variant Classification Criteria 13 December 2019. Collection method: clinical testing. Allele origin: germline.